The following is an entry in ClinVar:

NM_002863.5(PYGL):c.176C>T (p.Thr59Met)

Gene: PYGL (glycogen phosphorylase L; minus strand). Cytogenetic location: 14q22.1.
Variant type: single nucleotide variant.
Coding change: c.176C>T on transcript NM_002863.5 (MANE Select); coding-DNA position 176, C replaced by T.
Protein change: p.Thr59Met; replaces threonine 59 with methionine.
Molecular consequence: missense variant.
Genome position (GRCh38, 1-based): chr14:50,944,228, G>A on the plus strand (C>T on the coding strand, the complement: PYGL is on the minus strand). VCF-style: chr14-50944228-G-A. GRCh37 (hg19) VCF-style: chr14-51410946-G-A.
Other names: p.Thr59Met; c.176C>T, p.Thr59Met (NM_001163940.2); short protein forms T59M.
Identifiers: ClinVar variation 193237 (VCV000193237.22), dbSNP rs150483902, ClinGen allele CA200429.

ClinVar aggregate classification (germline): Benign/Likely benign. Review status: criteria provided, multiple submitters, no conflicts (2 of 4 stars). 6 submissions from 6 submitters: Benign (5); Likely benign (1). Last evaluated 2026-01-19.

Conditions:
Glycogen storage disease, type VI (GSD6). Also called: Hepatic glycogen phosphorylase deficiency; Glycogen storage disease type 6; Glycogen storage disease type 6, due to phosphorylation; GSD VI; HERS DISEASE; PHOSPHORYLASE DEFICIENCY GLYCOGEN-STORAGE DISEASE OF LIVER. Identifiers: Orphanet 369, MedGen C0017925, MONDO:0009294, OMIM 232700.

Allele frequency attached by ClinVar (database versions not stated): ExAC 0.00165; 1000 Genomes Project 30x 0.00500; TOPMed 0.00506; ESP Exome Variant Server 0.00507; gnomAD 0.00507; 1000 Genomes Project 0.00539.
gnomAD v4.1: 1,404 of 1,613,148 alleles (0.087%); highest among the groups gnomAD compares: African/African-American, 1.7%; 12 homozygotes.

Submissions (6):

Labcorp Genetics (formerly Invitae), Labcorp
Classification: Benign for Glycogen storage disease, type VI. Last evaluated: 2026-01-19. Review status: criteria provided, single submitter. Criteria: Invitae Variant Classification Sherloc (09022015). Collection method: clinical testing. Allele origin: germline.

ARUP Laboratories, Molecular Genetics and Genomics, ARUP Laboratories
Classification: Benign for Glycogen storage disease, type VI. Last evaluated: 2025-02-28. Review status: criteria provided, single submitter. Criteria: ARUP Molecular Germline Variant Investigation Process 2024. Collection method: clinical testing. Allele origin: germline.

Mayo Clinic Laboratories, Mayo Clinic
Classification: Likely benign. Last evaluated: 2024-11-12. Review status: criteria provided, single submitter. Criteria: ACMG Guidelines, 2015. Collection method: clinical testing. Allele origin: germline. Observed: 9 variant alleles.
Comment: BA1

Illumina Laboratory Services, Illumina
Classification: Benign for Glycogen storage disease, type VI. Last evaluated: 2018-01-13. Review status: criteria provided, single submitter. Criteria: ICSL Variant Classification Criteria 13 December 2019. Collection method: clinical testing. Allele origin: germline.
Comment: This variant was observed in the ICSL laboratory as part of a predisposition screen in an ostensibly healthy population. It had not been previously curated by ICSL or reported in the Human Gene Mutation Database (HGMD: prior to June 1st, 2018), and was therefore a candidate for classification through an automated scoring system. Utilizing variant allele frequency, disease prevalence and penetrance estimates, and inheritance mode, an automated score was calculated to assess if this variant is too frequent to cause the disease. Based on the score and internal cut-off values, a variant classified as benign is not then subjected to further curation. The score for this variant resulted in a classification of benign for this disease.

Eurofins Ntd Llc (ga)
Classification: Benign. Last evaluated: 2015-04-06. Review status: criteria provided, single submitter. Criteria: EGL Classification Definitions 2015. Collection method: clinical testing. Allele origin: germline. Observed: 1 variant allele, 1 heterozygote.

PreventionGenetics, part of Exact Sciences
Classification: Benign. Review status: criteria provided, single submitter. Criteria: ACMG Guidelines, 2015. Collection method: clinical testing. Allele origin: germline.